The following is an entry in ClinVar:

NM_001013838.3(CARMIL2):c.752_757del (p.Val251_Leu252del)

Gene: CARMIL2 (capping protein regulator and myosin 1 linker 2; plus strand). Cytogenetic location: 16q22.1.
Variant type: Deletion.
Coding change: c.752_757del on transcript NM_001013838.3 (MANE Select); coding-DNA positions 752 to 757, 6 bases deleted (TGCTGG; older notation c.752_757delTGCTGG).
Protein change: p.Val251_Leu252del.
Molecular consequence: inframe deletion.
Genome position (GRCh38, 1-based): chr16:67,647,363-67,647,368, TGCTGG deleted; deleting any 6 consecutive bases within chr16:67,647,358-67,647,368 gives the same sequence; the c. name uses the placement nearest the transcript's 3' end. VCF-style (leftmost placement, unchanged base first): chr16-67647357-AGCTGGT-A. GRCh37 (hg19) VCF-style: chr16-67681260-AGCTGGT-A.
Other names: c.752_757del, p.Val251_Leu252del (NM_001317026.3, NM_001438244.1, NM_001438835.1).
Identifiers: ClinVar variation 4722980 (VCV004722980.1).
Genomic context (GRCh38, chr16:67,647,357, plus strand): 5'-AGAGCCTTGAGGTCTCAGAACAGATTCTGCACATGATGAGTCAGTCATCACACCTGGAGG[AGCTGGT>A]GCTGGAGACCTGCAGCCTGAGGGGGTGAGGGGGACAGGGCAGGGCTTGGAGAGGAGAGTC-3'

ClinVar aggregate classification (germline): Uncertain significance (1 of 4 stars; one submission).

Submission:

Labcorp Genetics (formerly Invitae), Labcorp
Classification: Uncertain significance. Last evaluated: 2026-01-04. Review status: criteria provided, single submitter. Criteria: Invitae Variant Classification Sherloc (09022015). Collection method: clinical testing. Allele origin: germline.
Comment: This variant, c.752_757del, results in the deletion of 2 amino acid(s) of the CARMIL2 protein (p.Val251_Leu252del), but otherwise preserves the integrity of the reading frame. This variant is not present in population databases (gnomAD no frequency). This variant has not been reported in the literature in individuals affected with CARMIL2-related conditions. Experimental studies and prediction algorithms are not available or were not evaluated, and the functional significance of this variant is currently unknown. In summary, the available evidence is currently insufficient to determine the role of this variant in disease. Therefore, it has been classified as a Variant of Uncertain Significance.